The following is an entry in ClinVar:

NM_021930.6(RINT1):c.518A>G (p.Asp173Gly)

Gene: RINT1 (RAD50 interactor 1; plus strand). Cytogenetic location: 7q22.3.
Variant type: single nucleotide variant.
Coding change: c.518A>G on transcript NM_021930.6 (MANE Select); coding-DNA position 518, A replaced by G.
Protein change: p.Asp173Gly; replaces aspartic acid 173 with glycine.
Molecular consequence: missense variant. On other transcripts: 5 prime UTR variant (2), non-coding transcript variant (1), intron variant (1).
Genome position (GRCh38, 1-based): chr7:105,546,912, A>G. VCF-style: chr7-105546912-A-G. GRCh37 (hg19) VCF-style: chr7-105187359-A-G.
Other names: c.284A>G, p.Asp95Gly (NM_001346599.2); c.-502A>G (NM_001346600.2); c.-405A>G (NM_001346601.2); c.-27-3143A>G (NM_001346603.2); c.518A>G (NM_021930.4); short protein forms D95G, D173G.
Identifiers: ClinVar variation 1513033 (VCV001513033.10), dbSNP rs375452335, ClinGen allele CA4426458.

ClinVar aggregate classification (germline): Uncertain significance. Review status: criteria provided, multiple submitters, no conflicts (2 of 4 stars). 2 submissions from 2 submitters: Uncertain significance (2). Last evaluated 2025-02-12.

Allele frequency attached by ClinVar (database versions not stated): gnomAD exomes below 0.00001; ExAC 0.00001; ESP Exome Variant Server 0.00008.
gnomAD v4.1: 1 of 1,595,486 alleles (0.000063%); highest among the groups gnomAD compares: Non-Finnish European, 0.000085%; no homozygotes.

Submissions (2):

Ambry Genetics
Classification: Uncertain significance. Last evaluated: 2025-02-12. Review status: criteria provided, single submitter. Criteria: Ambry Variant Classification Scheme 2023. Collection method: clinical testing. Allele origin: germline.
Comment: The p.D173G variant (also known as c.518A>G), located in coding exon 5 of the RINT1 gene, results from an A to G substitution at nucleotide position 518. The aspartic acid at codon 173 is replaced by glycine, an amino acid with similar properties. This amino acid position is conserved. In addition, this alteration is predicted to be tolerated by in silico analysis. Since supporting evidence is limited at this time, the clinical significance of this alteration remains unclear.

Labcorp Genetics (formerly Invitae), Labcorp
Classification: Uncertain significance. Last evaluated: 2021-05-11. Review status: criteria provided, single submitter. Criteria: Invitae Variant Classification Sherloc (09022015). Collection method: clinical testing. Allele origin: germline.
Comment: In summary, the available evidence is currently insufficient to determine the role of this variant in disease. Therefore, it has been classified as a Variant of Uncertain Significance. Algorithms developed to predict the effect of sequence changes on RNA splicing suggest that this variant may create or strengthen a splice site, but this prediction has not been confirmed by published transcriptional studies. This sequence change replaces aspartic acid with glycine at codon 173 of the RINT1 protein (p.Asp173Gly). The aspartic acid residue is moderately conserved and there is a moderate physicochemical difference between aspartic acid and glycine. This variant is present in population databases (rs375452335, ExAC 0.002%). This variant has not been reported in the literature in individuals with RINT1-related conditions. Algorithms developed to predict the effect of missense changes on protein structure and function (SIFT, PolyPhen-2, Align-GVGD) all suggest that this variant is likely to be tolerated, but these predictions have not been confirmed by published functional studies and their clinical significance is uncertain.